The following is an entry in ClinVar:

ClinVar aggregate classification (germline): Likely pathogenic (1 of 4 stars; one submission).

Conditions:
Cortical dysplasia, complex, with other brain malformations 13. Also called: Intellectual disability, autosomal dominant 13. Identifiers: MedGen C3281202, MONDO:0013805, OMIM 614563.

Submission:

Dr. med. U. Finckh, Human Genetics, Eurofins MVZ
Classification: Likely pathogenic for Cortical dysplasia, complex, with other brain malformations 13. Last evaluated: 2022-10-06. Review status: criteria provided, single submitter. Criteria: ACMG Guidelines, 2015. Collection method: clinical testing. Allele origin: de novo. Affected: yes. Observed: 1 heterozygote.
Comment: Not present in gnomAD. Another missense variant of the same codon is classified as pathogenic in ClinVar (ID: 372934).

NM_001376.5(DYNC1H1):c.2327delinsGGGT (p.Pro776delinsArgVal)

Gene: DYNC1H1 (dynein cytoplasmic 1 heavy chain 1; plus strand). Cytogenetic location: 14q32.31.
Variant type: Indel.
Coding change: c.2327delinsGGGT on transcript NM_001376.5 (MANE Select); coding-DNA position 2327, C replaced by GGGT.
Protein change: p.Pro776delinsArgVal.
Molecular consequence: inframe indel.
Genome position (GRCh38, 1-based): chr14:101,986,552, C replaced by GGGT. VCF-style: chr14-101986552-C-GGGT. GRCh37 (hg19) VCF-style: chr14-102452889-C-GGGT.
Identifiers: ClinVar variation 2581036 (VCV002581036.1), dbSNP rs2503696010, ClinGen allele CA2580618131.